The following is an entry in ClinVar:

NC_000016.10:g.67660407C>T

Genes: ACD (ACD shelterin complex subunit and telomerase recruitment factor; minus strand), LOC130059224 (ATAC-STARR-seq lymphoblastoid silent region 7617; plus strand). Cytogenetic location: 16q22.1.
Variant type: single nucleotide variant.
Genome position: GRCh38 VCF-style: chr16-67660407-C-T. GRCh37 (hg19) VCF-style: chr16-67694310-C-T.
Identifiers: ClinVar variation 1461806 (VCV001461806.5), dbSNP rs745972649, ClinGen allele CA8114933.
Genomic context (GRCh38, chr16:67,660,407, plus strand): 5'-ACCCCGCGCCTGCGCACGAGGGCGTCCTGCTCGGGGGCCTGTGTGCAGACTCCCGCTGGT[C>T]CACCCCGCTGGTGCACGGGATGCTGGCCCGTTTACTCTCATCGCGGCGTCACTCTGACAG-3'

ClinVar aggregate classification (germline): Uncertain significance (1 of 4 stars; one submission).

Conditions:
Dyskeratosis congenita, autosomal dominant 6 (DKCA6). Identifiers: Orphanet 3322, MedGen C4225284, MONDO:0014690, OMIM 616553.

Submission:

Labcorp Genetics (formerly Invitae), Labcorp
Classification: Uncertain significance for Dyskeratosis congenita, autosomal dominant 6. Last evaluated: 2023-12-27. Review status: criteria provided, single submitter. Criteria: Invitae Variant Classification Sherloc (09022015). Collection method: clinical testing. Allele origin: germline.
Comment: This sequence change creates a premature translational stop signal (p.Trp24*) in the ACD gene. It is expected to result in an absent or disrupted protein product. However, the current clinical and genetic evidence is not sufficient to establish whether loss-of-function variants in ACD cause disease. The frequency data for this variant in the population databases is considered unreliable, as metrics indicate poor data quality at this position in the gnomAD database. This variant has not been reported in the literature in individuals affected with ACD-related conditions. ClinVar contains an entry for this variant (Variation ID: 1461806). In summary, the available evidence is currently insufficient to determine the role of this variant in disease. Therefore, it has been classified as a Variant of Uncertain Significance.